The following is an entry in ClinVar:

ClinVar aggregate classification (germline): Uncertain significance (1 of 4 stars; one submission).

Conditions:
Early Myoclonic Encephalopathy. Identifiers: MedGen C0270855.

Submission:

Labcorp Genetics (formerly Invitae), Labcorp
Classification: Uncertain significance for Early Myoclonic Encephalopathy. Last evaluated: 2022-11-28. Review status: criteria provided, single submitter. Criteria: Invitae Variant Classification Sherloc (09022015). Collection method: clinical testing. Allele origin: germline.
Comment: This sequence change replaces asparagine, which is neutral and polar, with lysine, which is basic and polar, at codon 416 of the KCND2 protein (p.Asn416Lys). This variant is not present in population databases (gnomAD no frequency). This variant has not been reported in the literature in individuals affected with KCND2-related conditions. Advanced modeling of protein sequence and biophysical properties (such as structural, functional, and spatial information, amino acid conservation, physicochemical variation, residue mobility, and thermodynamic stability) performed at Invitae indicates that this missense variant is not expected to disrupt KCND2 protein function. In summary, the available evidence is currently insufficient to determine the role of this variant in disease. Therefore, it has been classified as a Variant of Uncertain Significance.

NM_012281.3(KCND2):c.1248T>A (p.Asn416Lys)

Gene: KCND2 (potassium voltage-gated channel subfamily D member 2; plus strand). Cytogenetic location: 7q31.31.
Variant type: single nucleotide variant.
Coding change: c.1248T>A on transcript NM_012281.3 (MANE Select); coding-DNA position 1248, T replaced by A.
Protein change: p.Asn416Lys; replaces asparagine 416 with lysine.
Molecular consequence: missense variant.
Genome position (GRCh38, 1-based): chr7:120,733,035, T>A. VCF-style: chr7-120733035-T-A. GRCh37 (hg19) VCF-style: chr7-120373089-T-A.
Other names: short protein forms N416K.
Identifiers: ClinVar variation 2817158 (VCV002817158.3), dbSNP rs2485192922, ClinGen allele CA369134266.